The following is an entry in ClinVar:

NM_000059.4(BRCA2):c.1844del (p.Asn615fs)

Gene: BRCA2 (BRCA2 DNA repair associated; plus strand). Cytogenetic location: 13q13.1.
Variant type: Deletion.
Coding change: c.1844del on transcript NM_000059.4 (MANE Select); coding-DNA position 1844, one base deleted (A; older notation c.1844delA).
Protein change: p.Asn615fs; shifts the reading frame from asparagine 615.
Molecular consequence: frameshift variant.
Genome position (GRCh38, 1-based): chr13:32,333,322, A deleted; the last of 2 consecutive A bases (chr13:32,333,321-32,333,322); deleting either gives the same sequence. VCF-style (leftmost placement, unchanged base first): chr13-32333320-TA-T. GRCh37 (hg19) VCF-style: chr13-32907457-TA-T.
Other names: c.1844delA (NM_000059.3); short protein forms N615fs.
Identifiers: ClinVar variation 485410 (VCV000485410.5), dbSNP rs1555282120, ClinGen allele CA658656344.

ClinVar aggregate classification (germline): Pathogenic (1 of 4 stars; one submission).

Conditions:
Hereditary cancer-predisposing syndrome. Also called: Neoplastic Syndromes, Hereditary; Tumor predisposition; Hereditary Cancer Syndrome; Hereditary neoplastic syndrome. Identifiers: Orphanet 140162, MedGen C0027672, MeSH D009386, MONDO:0015356.

Submission:

Ambry Genetics
Classification: Pathogenic for Hereditary cancer-predisposing syndrome. Last evaluated: 2016-01-18. Review status: criteria provided, single submitter. Criteria: Ambry Variant Classification Scheme 2023. Collection method: clinical testing. Allele origin: germline.
Comment: The c.1844delA pathogenic mutation, located in coding exon 9 of the BRCA2 gene, results from a deletion of one nucleotide at position 1844, causing a translational frameshift with a predicted alternate stop codon. This alteration is expected to result in loss of function by premature protein truncation or nonsense-mediated mRNA decay. As such, this alteration is interpreted as a disease-causing mutation.